The following is an entry in ClinVar:

ClinVar aggregate classification (germline): Likely benign (1 of 4 stars; one submission).

Submission:

CeGaT Center for Human Genetics Tuebingen
Classification: Likely benign. Last evaluated: 2025-06-01. Review status: criteria provided, single submitter. Criteria: CeGaT Center For Human Genetics Tuebingen Variant Classification Criteria Version 2. Collection method: clinical testing. Allele origin: germline. Affected: yes. Observed: 1 variant allele.
Comment: PRDM10: BP3

NM_199437.2(PRDM10):c.3082CAG[6] (p.Gln1034_Gln1035del)

Gene: PRDM10 (PR/SET domain 10; minus strand). Cytogenetic location: 11q24.3.
Variant type: Microsatellite.
Coding change: c.3082CAG[6] on transcript NM_199437.2 (MANE Select); six copies in a row of the 3-base unit CAG starting at c.3082; the reference has eight copies in a row; two copies, 6 bases deleted.
Protein change: p.Gln1034_Gln1035del.
Molecular consequence: inframe deletion.
Genome position (GRCh38, 1-based): chr11:129,910,534-129,910,539, CTGCTG deleted on the plus strand (CAGCAG on the coding strand, the reverse complement: PRDM10 is on the minus strand); deleting any 6 consecutive bases within chr11:129,910,534-129,910,558 gives the same sequence; the position shown is the placement nearest the transcript's 3' end. VCF-style (leftmost placement, unchanged base first): chr11-129910533-TCTGCTG-T. GRCh37 (hg19) VCF-style: chr11-129780428-TCTGCTG-T.
Other names: c.2734CAG[6], p.Gln918_Gln919del (NM_001367890.1); c.3022CAG[6], p.Gln1014_Gln1015del (NM_001367891.1); c.3028CAG[6], p.Gln1016_Gln1017del (NM_001367892.1); c.3055CAG[6], p.Gln1025_Gln1026del (NM_001367893.1); c.2695CAG[6], p.Gln905_Gln906del (NM_001367894.1); c.2194CAG[6], p.Gln738_Gln739del (NM_001367895.1); c.2233CAG[6], p.Gln751_Gln752del (NM_001367896.1); c.2245CAG[6], p.Gln755_Gln756del (NM_001367897.1); and 5 more.
Identifiers: ClinVar variation 3905039 (VCV003905039.10).
Genomic context (GRCh38, chr11:129,910,533, plus strand): 5'-TACAATAGCCACGGAAGGAATTCCAAGCACTGGGCAGGTACGTGTGCTGCACAGAGGAAT[TCTGCTG>T]CTGCTGCTGCTGCTGCTGCAGAGCCTGCCCCTGTGTGGAAGAACTGCCCTGGATGTGGGA-3'